The following is an entry in ClinVar:

NM_020297.4(ABCC9):c.3844G>T (p.Val1282Leu)

Genes: ABCC9 (ATP binding cassette subfamily C member 9; minus strand), KCNJ8-AS1 (KCNJ8 antisense RNA 1; plus strand). Cytogenetic location: 12p12.1.
Variant type: single nucleotide variant.
Coding change: c.3844G>T on transcript NM_020297.4 (MANE Select); coding-DNA position 3844, G replaced by T.
Protein change: p.Val1282Leu; replaces valine 1282 with leucine.
Molecular consequence: missense variant.
Genome position (GRCh38, 1-based): chr12:21,817,235, C>A on the plus strand (G>T on the coding strand, the complement: ABCC9 is on the minus strand). VCF-style: chr12-21817235-C-A. GRCh37 (hg19) VCF-style: chr12-21970169-C-A.
Other names: c.3844G>T, p.Val1282Leu (NM_001377273.1, NM_005691.4); c.2977G>T, p.Val993Leu (NM_001377274.1); short protein forms V1282L, V993L.
Identifiers: ClinVar variation 4745799 (VCV004745799.1).
Genomic context (GRCh38, chr12:21,817,235, plus strand): 5'-TTAGAGCAATACCCATTGTGCCTTCATAGTTCTCTGACTCCATAGTCAGGAAACTGTTCA[C>A]CTTCTTCACTGCACCCATCTGGACCTCCAGGTCAGCCAAGTTCCTCACAACCCAATTCAA-3'
Protein context (NP_064693.2, residues 1272-1292): LEVQMGAVKK[Val1282Leu]NSFLTMESEN

ClinVar aggregate classification (germline): Uncertain significance (1 of 4 stars; one submission).

Conditions:
Dilated cardiomyopathy 1O (CMD1O). Also called: CARDIOMYOPATHY, DILATED, WITH VENTRICULAR TACHYCARDIA. Identifiers: Orphanet 154, MedGen C1837839, MONDO:0012062, OMIM 608569.

Submission:

Labcorp Genetics (formerly Invitae), Labcorp
Classification: Uncertain significance for Dilated cardiomyopathy 1O. Last evaluated: 2025-09-02. Review status: criteria provided, single submitter. Criteria: Invitae Variant Classification Sherloc (09022015). Collection method: clinical testing. Allele origin: germline.
Comment: This sequence change replaces valine, which is neutral and non-polar, with leucine, which is neutral and non-polar, at codon 1282 of the ABCC9 protein (p.Val1282Leu). This variant is not present in population databases (gnomAD no frequency). This variant has not been reported in the literature in individuals affected with ABCC9-related conditions. Invitae Evidence Modeling of protein sequence and biophysical properties (such as structural, functional, and spatial information, amino acid conservation, physicochemical variation, residue mobility, and thermodynamic stability) has been performed for this missense variant. However, the output from this modeling did not meet the statistical confidence thresholds required to predict the impact of this variant on ABCC9 protein function. In summary, the available evidence is currently insufficient to determine the role of this variant in disease. Therefore, it has been classified as a Variant of Uncertain Significance.